The following is an entry in ClinVar:

ClinVar aggregate classification (germline): Uncertain significance. Review status: criteria provided, multiple submitters, no conflicts (2 of 4 stars). 2 submissions from 2 submitters: Uncertain significance (2). Last evaluated 2026-01-05.

Conditions:
Left ventricular noncompaction 8 (LVNC8). Identifiers: Orphanet 154, Orphanet 54260, MedGen C3809288, MONDO:0014152, OMIM 615373.

Allele frequency attached by ClinVar (database versions not stated): TOPMed 0.00004; gnomAD exomes 0.00005; ExAC 0.00008.
gnomAD v4.1: 62 of 1,613,354 alleles (0.0038%); highest among the groups gnomAD compares: East Asian, 0.1%; no homozygotes.

Submissions (2):

Labcorp Genetics (formerly Invitae), Labcorp
Classification: Uncertain significance for Left ventricular noncompaction 8. Last evaluated: 2026-01-05. Review status: criteria provided, single submitter. Criteria: Invitae Variant Classification Sherloc (09022015). Collection method: clinical testing. Allele origin: germline.
Comment: This sequence change replaces arginine, which is basic and polar, with tryptophan, which is neutral and slightly polar, at codon 759 of the PRDM16 protein (p.Arg759Trp). This variant is present in population databases (rs752903093, gnomAD 0.03%). This variant has not been reported in the literature in individuals affected with PRDM16-related conditions. ClinVar contains an entry for this variant (Variation ID: 1016289). An algorithm developed to predict the effect of missense changes on protein structure and function (PolyPhen-2) suggests that this variant is likely to be disruptive. In summary, the available evidence is currently insufficient to determine the role of this variant in disease. Therefore, it has been classified as a Variant of Uncertain Significance.

Blueprint Genetics
Classification: Uncertain significance. Last evaluated: 2023-05-29. Review status: criteria provided, single submitter. Criteria: ACMG Guidelines, 2015. Collection method: clinical testing. Allele origin: germline.

NM_022114.4(PRDM16):c.2275C>T (p.Arg759Trp)

Gene: PRDM16 (PR/SET domain 16; plus strand). Cytogenetic location: 1p36.32.
Variant type: single nucleotide variant.
Coding change: c.2275C>T on transcript NM_022114.4 (MANE Select); coding-DNA position 2275, C replaced by T.
Protein change: p.Arg759Trp; replaces arginine 759 with tryptophan.
Molecular consequence: missense variant.
Genome position (GRCh38, 1-based): chr1:3,412,472, C>T. VCF-style: chr1-3412472-C-T. GRCh37 (hg19) VCF-style: chr1-3329036-C-T.
Other names: c.2275C>T, p.Arg759Trp (NM_199454.3); short protein forms R759W.
Identifiers: ClinVar variation 1016289 (VCV001016289.9), dbSNP rs752903093, ClinGen allele CA544431.